The following is an entry in ClinVar:

NM_017617.5(NOTCH1):c.6281A>G (p.Asp2094Gly)

Gene: NOTCH1 (notch receptor 1; minus strand). Cytogenetic location: 9q34.3.
Variant type: single nucleotide variant.
Coding change: c.6281A>G on transcript NM_017617.5 (MANE Select); coding-DNA position 6281, A replaced by G.
Protein change: p.Asp2094Gly; replaces aspartic acid 2094 with glycine.
Molecular consequence: missense variant.
Genome position (GRCh38, 1-based): chr9:136,497,458, T>C on the plus strand (A>G on the coding strand, the complement: NOTCH1 is on the minus strand). VCF-style: chr9-136497458-T-C. GRCh37 (hg19) VCF-style: chr9-139391910-T-C.
Other names: short protein forms D2094G.
Identifiers: ClinVar variation 2430939 (VCV002430939.1), dbSNP rs2133319235, ClinGen allele CA375632071.

ClinVar aggregate classification (germline): Uncertain significance (1 of 4 stars; one submission).

Submission:

GeneDx
Classification: Uncertain significance. Last evaluated: 2022-08-26. Review status: criteria provided, single submitter. Criteria: GeneDx Variant Classification Process June 2021. Collection method: clinical testing. Allele origin: germline. Affected: yes.
Comment: Not observed at significant frequency in large population cohorts (gnomAD); In silico analysis supports that this missense variant has a deleterious effect on protein structure/function; Has not been previously published as pathogenic or benign to our knowledge